The following is an entry in ClinVar:

ClinVar aggregate classification (germline): Uncertain significance (1 of 4 stars; one submission).

Conditions:
Charcot-Marie-Tooth disease type 4. Also called: Charcot-Marie-Tooth disease, type IV; Charcot-Marie-Tooth, Type 4. Identifiers: Orphanet 64749, MedGen C4082197, MONDO:0018995.

Submission:

Labcorp Genetics (formerly Invitae), Labcorp
Classification: Uncertain significance for Charcot-Marie-Tooth disease type 4. Last evaluated: 2019-06-24. Review status: criteria provided, single submitter. Criteria: Invitae Variant Classification Sherloc (09022015). Collection method: clinical testing. Allele origin: germline.
Comment: In summary, the available evidence is currently insufficient to determine the role of this variant in disease. Therefore, it has been classified as a Variant of Uncertain Significance. Algorithms developed to predict the effect of missense changes on protein structure and function are either unavailable or do not agree on the potential impact of this missense change (SIFT: "Deleterious"; PolyPhen-2: "Possibly Damaging"; Align-GVGD: "Class C0"). This variant has not been reported in the literature in individuals with SBF2-related conditions. This variant is not present in population databases (ExAC no frequency). This sequence change replaces isoleucine with leucine at codon 611 of the SBF2 protein (p.Ile611Leu). The isoleucine residue is highly conserved and there is a small physicochemical difference between isoleucine and leucine.

NM_030962.4(SBF2):c.1831A>T (p.Ile611Leu)

Gene: SBF2 (SET binding factor 2; minus strand). Cytogenetic location: 11p15.4.
Variant type: single nucleotide variant.
Coding change: c.1831A>T on transcript NM_030962.4 (MANE Select); coding-DNA position 1831, A replaced by T.
Protein change: p.Ile611Leu; replaces isoleucine 611 with leucine.
Molecular consequence: missense variant.
Genome position (GRCh38, 1-based): chr11:9,961,986, T>A on the plus strand (A>T on the coding strand, the complement: SBF2 is on the minus strand). VCF-style: chr11-9961986-T-A. GRCh37 (hg19) VCF-style: chr11-9983533-T-A.
Other names: c.1831A>T, p.Ile611Leu (NM_001386339.1); c.1702A>T, p.Ile568Leu (NM_001386342.1); short protein forms I611L, I568L.
Identifiers: ClinVar variation 938151 (VCV000938151.10), dbSNP rs964428805, ClinGen allele CA379644164.